The following is an entry in ClinVar:

ClinVar aggregate classification (germline): Likely pathogenic (1 of 4 stars; one submission).

Allele frequency attached by ClinVar (database versions not stated): gnomAD exomes below 0.00001.
gnomAD v4.1: 1 of 1,613,534 alleles (0.000062%); highest among the groups gnomAD compares: Non-Finnish European, 0.000085%; no homozygotes.

Submission:

GeneDx
Classification: Likely pathogenic. Last evaluated: 2025-01-15. Review status: criteria provided, single submitter. Criteria: GeneDx Variant Classification Process June 2021. Collection method: clinical testing. Allele origin: germline. Affected: yes.
Comment: Nonsense variant predicted to result in protein truncation, as the last 625 amino acids are lost, and other loss-of-function variants have been reported downstream in HGMD; Not observed at significant frequency in large population cohorts (gnomAD); Has not been previously published as pathogenic or benign to our knowledge.

NM_012082.4(ZFPM2):c.1579C>T (p.Arg527Ter)

Genes: ZFPM2 (zinc finger protein, FOG family member 2; plus strand), ZFPM2-AS1 (ZFPM2 antisense RNA 1; minus strand). Cytogenetic location: 8q23.1.
Variant type: single nucleotide variant.
Coding change: c.1579C>T on transcript NM_012082.4 (MANE Select); coding-DNA position 1579, C replaced by T.
Protein change: p.Arg527Ter; replaces arginine 527 with a stop codon.
Molecular consequence: nonsense.
Genome position (GRCh38, 1-based): chr8:105,801,661, C>T. VCF-style: chr8-105801661-C-T. GRCh37 (hg19) VCF-style: chr8-106813889-C-T.
Other names: c.1420C>T, p.Arg474Ter (NM_001362836.2); c.1183C>T, p.Arg395Ter (NM_001362837.2); short protein forms R395*, R474*, R527*.
Identifiers: ClinVar variation 2572676 (VCV002572676.3), dbSNP rs2488153535, ClinGen allele CA371951137.